The following is an entry in ClinVar:

ClinVar aggregate classification (germline): Pathogenic (1 of 4 stars; one submission).

Conditions:
Neurodegeneration with brain iron accumulation 5 (NBIA5). Also called: Beta-propeller protein-associated neurodegeneration; STATIC ENCEPHALOPATHY OF CHILDHOOD WITH NEURODEGENERATION IN ADULTHOOD. Identifiers: Orphanet 329284, MedGen C3550973, MONDO:0010476, OMIM 300894.

Submission:

Labcorp Genetics (formerly Invitae), Labcorp
Classification: Pathogenic for Neurodegeneration with brain iron accumulation 5. Last evaluated: 2020-10-13. Review status: criteria provided, single submitter. Criteria: Invitae Variant Classification Sherloc (09022015). Collection method: clinical testing. Allele origin: germline.
Comment: For these reasons, this variant has been classified as Pathogenic. Loss-of-function variants in WDR45 are known to be pathogenic (PMID: 23176820, 24368176, 24621584, 25744623, 26790960, 27030146, 27652284, 28554332). This variant has not been reported in the literature in individuals with WDR45-related conditions. This variant is not present in population databases (ExAC no frequency). This sequence change creates a premature translational stop signal (p.Ser70Ilefs*12) in the WDR45 gene. It is expected to result in an absent or disrupted protein product.

Literature cited by the submitters: PubMed 23176820; PubMed 24368176; PubMed 24621584; PubMed 25744623; PubMed 26790960; PubMed 27030146; PubMed 27652284; PubMed 28554332.

NM_001029896.2(WDR45):c.209del (p.Ser70fs)

Genes: WDR45 (WD repeat domain 45; minus strand), LOC126863256 (BRD4-independent group 4 enhancer GRCh37_chrX:48934848-48936047; plus strand). Cytogenetic location: Xp11.23.
Variant type: Deletion.
Coding change: c.209del on transcript NM_001029896.2 (MANE Select); coding-DNA position 209, one base deleted (G; older notation c.209delG).
Protein change: p.Ser70fs; shifts the reading frame from serine 70.
Molecular consequence: frameshift variant.
Genome position (GRCh38, 1-based): chrX:49,077,669, C deleted on the plus strand (G on the coding strand, the reverse complement: WDR45 is on the minus strand). VCF-style (leftmost placement, unchanged base first): chrX-49077668-AC-A. GRCh37 (hg19) VCF-style: chrX-48935327-AC-A.
Other names: c.209del, p.Ser70fs (NM_007075.4); short protein forms S70fs.
Identifiers: ClinVar variation 1075892 (VCV001075892.7), dbSNP rs2147817417, ClinGen allele CA2499226762.